The following is an entry in ClinVar:

NM_004360.5(CDH1):c.344C>G (p.Thr115Arg)

Gene: CDH1 (cadherin 1; plus strand). Cytogenetic location: 16q22.1.
Variant type: single nucleotide variant.
Coding change: c.344C>G on transcript NM_004360.5 (MANE Select); coding-DNA position 344, C replaced by G.
Protein change: p.Thr115Arg; replaces threonine 115 with arginine.
Molecular consequence: missense variant. On other transcripts: 5 prime UTR variant (2).
Genome position (GRCh38, 1-based): chr16:68,801,850, C>G. VCF-style: chr16-68801850-C-G. GRCh37 (hg19) VCF-style: chr16-68835753-C-G.
Other names: c.344C>G, p.Thr115Arg (NM_001317184.2); c.-1272C>G (NM_001317185.2); c.-1476C>G (NM_001317186.2); short protein forms T115R.
Identifiers: ClinVar variation 943148 (VCV000943148.11), dbSNP rs370973869, ClinGen allele CA396457432.

ClinVar aggregate classification (germline): Uncertain significance. Review status: criteria provided, multiple submitters, no conflicts (2 of 4 stars). 2 submissions from 2 submitters: Uncertain significance (2). Last evaluated 2025-09-30.

Conditions:
Hereditary diffuse gastric adenocarcinoma (HDGC). Also called: DIFFUSE GASTRIC AND LOBULAR BREAST CANCER SYNDROME. Identifiers: Orphanet 26106, MedGen C1708349, MONDO:0007648, OMIM 137215.
Hereditary cancer-predisposing syndrome. Also called: Neoplastic Syndromes, Hereditary; Hereditary neoplastic syndrome; Hereditary Cancer Syndrome; Tumor predisposition. Identifiers: Orphanet 140162, MedGen C0027672, MeSH D009386, MONDO:0015356.

Submissions (2):

Ambry Genetics
Classification: Uncertain significance for Hereditary cancer-predisposing syndrome. Last evaluated: 2025-09-30. Review status: criteria provided, single submitter. Criteria: Ambry Variant Classification Scheme 2023. Collection method: clinical testing. Allele origin: germline.
Comment: The p.T115R variant (also known as c.344C>G), located in coding exon 3 of the CDH1 gene, results from a C to G substitution at nucleotide position 344. The threonine at codon 115 is replaced by arginine, an amino acid with similar properties. This amino acid position is well conserved in available vertebrate species. In addition, this alteration is predicted to be tolerated by in silico analysis. Based on the available evidence, the clinical significance of this variant remains unclear.

Labcorp Genetics (formerly Invitae), Labcorp
Classification: Uncertain significance for Hereditary diffuse gastric adenocarcinoma. Last evaluated: 2024-04-05. Review status: criteria provided, single submitter. Criteria: Invitae Variant Classification Sherloc (09022015). Collection method: clinical testing. Allele origin: germline.
Comment: This sequence change replaces threonine, which is neutral and polar, with arginine, which is basic and polar, at codon 115 of the CDH1 protein (p.Thr115Arg). This variant is not present in population databases (gnomAD no frequency). This variant has not been reported in the literature in individuals affected with CDH1-related conditions. ClinVar contains an entry for this variant (Variation ID: 943148). An algorithm developed to predict the effect of missense changes on protein structure and function (PolyPhen-2) suggests that this variant is likely to be tolerated. In summary, the available evidence is currently insufficient to determine the role of this variant in disease. Therefore, it has been classified as a Variant of Uncertain Significance.